The following is an entry in ClinVar:

NM_001080449.3(DNA2):c.1719C>T (p.Thr573=)

Gene: DNA2 (DNA replication helicase/nuclease 2; minus strand). Cytogenetic location: 10q21.3.
Variant type: single nucleotide variant.
Coding change: c.1719C>T on transcript NM_001080449.3 (MANE Select); coding-DNA position 1719, C replaced by T.
Protein change: p.Thr573=; no amino-acid change (threonine 573 retained).
Molecular consequence: synonymous variant. On other transcripts: non-coding transcript variant (1).
Genome position (GRCh38, 1-based): chr10:68,432,438, G>A on the plus strand (C>T on the coding strand, the complement: DNA2 is on the minus strand). VCF-style: chr10-68432438-G-A. GRCh37 (hg19) VCF-style: chr10-70192195-G-A.
Identifiers: ClinVar variation 669153 (VCV000669153.5), dbSNP rs1295862594, ClinGen allele CA469827478.

ClinVar aggregate classification (germline): Likely benign. Review status: criteria provided, multiple submitters, no conflicts (2 of 4 stars). 2 submissions from 2 submitters: Likely benign (2). Last evaluated 2025-08-16.

Allele frequency attached by ClinVar (database versions not stated): gnomAD 0.00001; TOPMed 0.00002.
gnomAD v4.1: 10 of 1,597,158 alleles (0.00063%); highest among the groups gnomAD compares: East Asian, 0.0022%; no homozygotes.

Submissions (2):

Labcorp Genetics (formerly Invitae), Labcorp
Classification: Likely benign. Last evaluated: 2025-08-16. Review status: criteria provided, single submitter. Criteria: Invitae Variant Classification Sherloc (09022015). Collection method: clinical testing. Allele origin: germline.

GeneDx
Classification: Likely benign. Last evaluated: 2018-06-01. Review status: criteria provided, single submitter. Criteria: GeneDx Variant Classification (06012015). Collection method: clinical testing. Allele origin: germline. Affected: yes.
Comment: This variant is considered likely benign or benign based on one or more of the following criteria: it is a conservative change, it occurs at a poorly conserved position in the protein, it is predicted to be benign by multiple in silico algorithms, and/or has population frequency not consistent with disease.